The following is an entry in ClinVar:

ClinVar aggregate classification (germline): Pathogenic (1 of 4 stars; one submission).

Conditions:
Hereditary cancer-predisposing syndrome. Also called: Tumor predisposition; Hereditary neoplastic syndrome; Neoplastic Syndromes, Hereditary; Hereditary Cancer Syndrome. Identifiers: Orphanet 140162, MedGen C0027672, MeSH D009386, MONDO:0015356.

Submission:

Ambry Genetics
Classification: Pathogenic for Hereditary cancer-predisposing syndrome. Last evaluated: 2025-05-15. Review status: criteria provided, single submitter. Criteria: Ambry Variant Classification Scheme 2023. Collection method: clinical testing. Allele origin: germline.
Comment: The c.437delC pathogenic mutation, located in coding exon 2 of the VHL gene, results from a deletion of one nucleotide at nucleotide position 437, causing a translational frameshift with a predicted alternate stop codon (p.P146Lfs*13). This alteration occurs at the 3' terminus of the VHL gene, is not expected to trigger nonsense-mediated mRNA decay, and impacts the last 32% of the protein. However, premature stop codons are typically deleterious in nature and a significant portion of the protein is affected (Ambry internal data). This variant was reported in individual(s) with features consistent with von Hipple-Lindau syndrome (Dallagnol TN et al. Mol Genet Genomic Med. 2023 Apr;11:e2136; Ambry internal data). This variant is considered to be rare based on population cohorts in the Genome Aggregation Database (gnomAD). In addition to the clinical data presented in the literature, this variant is interpreted as a disease-causing mutation.

Literature cited by the submitters: PubMed 36625343.

NM_000551.4(VHL):c.437del (p.Pro146fs)

Genes: VHL (von Hippel-Lindau tumor suppressor; plus strand), LOC107303340 (3p25 von Hippel-Lindau tumor suppressor, E3 ubiquitin protein ligase Alu-mediated recombination region; plus strand). Cytogenetic location: 3p25.3.
Variant type: Deletion.
Coding change: c.437del on transcript NM_000551.4 (MANE Select); coding-DNA position 437, one base deleted (C; older notation c.437delC).
Protein change: p.Pro146fs; shifts the reading frame from proline 146.
Molecular consequence: frameshift variant. On other transcripts: non-coding transcript variant (1), intron variant (2).
Genome position (GRCh38, 1-based): chr3:10,146,610, C deleted; the last of 2 consecutive C bases (chr3:10,146,609-10,146,610); deleting either gives the same sequence. VCF-style (leftmost placement, unchanged base first): chr3-10146608-GC-G. GRCh37 (hg19) VCF-style: chr3-10188292-GC-G.
Other names: c.*18-3177del (NM_001354723.2); c.341-3177del (NM_198156.3); short protein forms P146fs.
Identifiers: ClinVar variation 3979714 (VCV003979714.1).